The following is an entry in ClinVar:

ClinVar aggregate classification (germline): Pathogenic/Likely pathogenic. Review status: criteria provided, multiple submitters, no conflicts (2 of 4 stars). 2 submissions from 2 submitters: Pathogenic (1); Likely pathogenic (1). Last evaluated 2024-03-26.

Conditions:
Mitochondrial complex I deficiency, nuclear type 9. Also called: Mitochondrial complex 1 deficiency, nuclear type 9. Identifiers: MedGen C4748767, MONDO:0032615, OMIM 618232.

Allele frequency attached by ClinVar (database versions not stated): gnomAD exomes below 0.00001.
gnomAD v4.1: 2 of 1,614,050 alleles (0.00012%); highest among the groups gnomAD compares: Non-Finnish European, 0.00017%; no homozygotes.

Submissions (2):

Baylor Genetics
Classification: Likely pathogenic for Mitochondrial complex I deficiency, nuclear type 9. Last evaluated: 2024-03-26. Review status: criteria provided, single submitter. Criteria: ACMG Guidelines, 2015. Collection method: clinical testing. Allele origin: unknown.

Labcorp Genetics (formerly Invitae), Labcorp
Classification: Pathogenic. Last evaluated: 2022-07-14. Review status: criteria provided, single submitter. Criteria: Invitae Variant Classification Sherloc (09022015). Collection method: clinical testing. Allele origin: germline.
Comment: Variants that disrupt the consensus splice site are a relatively common cause of aberrant splicing (PMID: 17576681, 9536098). Algorithms developed to predict the effect of sequence changes on RNA splicing suggest that this variant may disrupt the consensus splice site. This variant disrupts a region of the NDUFS6 protein in which other variant(s) (p.Cys115Arg) have been determined to be pathogenic (PMID: 28429146, 30948790, 31967322). This suggests that this is a clinically significant region of the protein, and that variants that disrupt it are likely to be disease-causing. For these reasons, this variant has been classified as Pathogenic. This variant is not present in population databases (gnomAD no frequency). This sequence change affects a donor splice site in intron 3 of the NDUFS6 gene. While this variant is not anticipated to result in nonsense mediated decay, it likely alters RNA splicing and results in a disrupted protein product. This variant has not been reported in the literature in individuals affected with NDUFS6-related conditions.

Literature cited by the submitters: PubMed 17576681 (cited by Labcorp Genetics (formerly Invitae), Labcorp); PubMed 9536098 (cited by Labcorp Genetics (formerly Invitae), Labcorp); PubMed 28429146 (cited by Labcorp Genetics (formerly Invitae), Labcorp); PubMed 30948790 (cited by Labcorp Genetics (formerly Invitae), Labcorp); PubMed 31967322 (cited by Labcorp Genetics (formerly Invitae), Labcorp).

NM_004553.6(NDUFS6):c.309+1G>C

Gene: NDUFS6 (NADH:ubiquinone oxidoreductase subunit S6; plus strand). Cytogenetic location: 5p15.33.
Variant type: single nucleotide variant.
Coding change: c.309+1G>C on transcript NM_004553.6 (MANE Select); the canonical splice donor site of the intron after coding-DNA position 309, G replaced by C.
Molecular consequence: splice donor variant.
Genome position (GRCh38, 1-based): chr5:1,814,462, G>C. VCF-style: chr5-1814462-G-C. GRCh37 (hg19) VCF-style: chr5-1814576-G-C.
Identifiers: ClinVar variation 1906235 (VCV001906235.6), dbSNP rs1169689300, ClinGen allele CA359089248.